The following is an entry in ClinVar:

ClinVar aggregate classification (germline): Benign/Likely benign. Review status: criteria provided, multiple submitters, no conflicts (2 of 4 stars). 10 submissions from 10 submitters: Benign (5); Likely benign (5). Last evaluated 2026-03-31.

Conditions:
Cardiovascular phenotype. Identifiers: MedGen CN230736.
Ehlers-Danlos syndrome (EDS). Identifiers: Orphanet 98249, MedGen C0013720, MONDO:0020066.
Ehlers-Danlos syndrome due to tenascin-X deficiency (EDSCLL1). Also called: TNXB-Related Classical-Like Ehlers-Danlos Syndrome; TNX DEFICIENCY; EDS DUE TO TNX DEFICIENCY; EHLERS-DANLOS SYNDROME, CLASSIC-LIKE; Ehlers-Danlos syndrome, classic-like, 1. Identifiers: Orphanet 230839, MedGen C1848029, MONDO:0011670, OMIM 606408.
Vesicoureteral reflux 8 (VUR8). Identifiers: Orphanet 289365, MedGen C4014831, MONDO:0014422, OMIM 615963.

Allele frequency attached by ClinVar (database versions not stated): gnomAD exomes 0.00219 and 0.00224; ExAC 0.00254; gnomAD 0.00574 and 0.00594; 1000 Genomes Project 0.00599; TOPMed 0.00660; ESP Exome Variant Server 0.00694; 1000 Genomes Project 30x 0.00734.
gnomAD v4.1: 4,131 of 1,613,170 alleles (0.26%); highest among the groups gnomAD compares: African/African-American, 1.5%; 19 homozygotes.

Submissions (10):

Women's Health and Genetics/Laboratory Corporation of America, LabCorp
Classification: Likely benign. Last evaluated: 2026-03-31. Review status: criteria provided, single submitter. Criteria: LabCorp Variant Classification Summary - May 2015. Collection method: clinical testing. Allele origin: germline.

Labcorp Genetics (formerly Invitae), Labcorp
Classification: Benign. Last evaluated: 2026-01-29. Review status: criteria provided, single submitter. Criteria: Invitae Variant Classification Sherloc (09022015). Collection method: clinical testing. Allele origin: germline.

Blueprint Genetics
Classification: Likely benign. Last evaluated: 2024-11-22. Review status: criteria provided, single submitter. Criteria: ACMG Guidelines, 2015. Collection method: clinical testing. Allele origin: germline.

Mayo Clinic Laboratories, Mayo Clinic
Classification: Benign. Last evaluated: 2023-04-18. Review status: criteria provided, single submitter. Criteria: ACMG Guidelines, 2015. Collection method: clinical testing. Allele origin: germline. Observed: 14 variant alleles.
Comment: BS1, BS2, BP4

GeneDx
Classification: Likely benign. Last evaluated: 2021-10-06. Review status: criteria provided, single submitter. Criteria: GeneDx Variant Classification Process June 2021. Collection method: clinical testing. Allele origin: germline. Affected: yes.

Fulgent Genetics
Classification: Benign for Ehlers-Danlos syndrome due to tenascin-X deficiency; Vesicoureteral reflux 8. Last evaluated: 2021-07-07. Review status: criteria provided, single submitter. Criteria: ACMG Guidelines, 2015. Collection method: clinical testing. Allele origin: unknown.

Genome Diagnostics Laboratory, The Hospital for Sick Children
Classification: Likely benign for Ehlers-Danlos syndrome. Last evaluated: 2020-12-04. Review status: criteria provided, single submitter. Criteria: ACMG Guidelines, 2015. Collection method: clinical testing. Allele origin: germline.

Ambry Genetics
Classification: Benign for Cardiovascular phenotype. Last evaluated: 2019-07-05. Review status: criteria provided, single submitter. Criteria: Ambry Variant Classification Scheme 2023. Collection method: clinical testing. Allele origin: germline.

Center for Pediatric Genomic Medicine, Children's Mercy Hospital and Clinics
Classification: Likely benign. Last evaluated: 2017-08-10. Review status: criteria provided, single submitter. Criteria: ACMG Guidelines, 2015. Collection method: clinical testing. Allele origin: germline.

PreventionGenetics, part of Exact Sciences
Classification: Benign. Review status: criteria provided, single submitter. Criteria: ACMG Guidelines, 2015. Collection method: clinical testing. Allele origin: germline.

NM_001365276.2(TNXB):c.7297G>A (p.Val2433Ile)

Gene: TNXB (tenascin XB; minus strand). Cytogenetic location: 6p21.33.
Variant type: single nucleotide variant.
Coding change: c.7297G>A on transcript NM_001365276.2 (MANE Select); coding-DNA position 7297, G replaced by A.
Protein change: p.Val2433Ile; replaces valine 2433 with isoleucine.
Molecular consequence: missense variant.
Genome position (GRCh38, 1-based): chr6:32,061,592, C>T on the plus strand (G>A on the coding strand, the complement: TNXB is on the minus strand). VCF-style: chr6-32061592-C-T. GRCh37 (hg19) VCF-style: chr6-32029369-C-T.
Other names: p.Val2433Ile; c.7297G>A, p.Val2433Ile (NM_019105.8); short protein forms V2433I.
Identifiers: ClinVar variation 261157 (VCV000261157.17), dbSNP rs17207902, ClinGen allele CA3734196.